The following is an entry in ClinVar:

NM_001848.3(COL6A1):c.1674+3_1674+6del

Gene: COL6A1 (collagen type VI alpha 1 chain; plus strand). Cytogenetic location: 21q22.3.
Variant type: Deletion.
Coding change: c.1674+3_1674+6del on transcript NM_001848.3 (MANE Select); bases 3 to 6 of the intron after coding-DNA position 1674, 4 bases deleted (AAGT; older notation c.1674+3_1674+6delAAGT).
Molecular consequence: splice donor variant.
Genome position (GRCh38, 1-based): chr21:45,998,962-45,998,965, AAGT deleted; deleting any 4 consecutive bases within chr21:45,998,960-45,998,965 gives the same sequence; the c. name uses the placement nearest the transcript's 3' end. VCF-style (leftmost placement, unchanged base first): chr21-45998959-TGTAA-T. GRCh37 (hg19) VCF-style: chr21-47418873-TGTAA-T.
Identifiers: ClinVar variation 2005386 (VCV002005386.4), dbSNP rs2526340290, ClinGen allele CA2580098996.

ClinVar aggregate classification (germline): Uncertain significance (1 of 4 stars; one submission).

Conditions:
Bethlem myopathy 1A. Also called: MYOPATHY, BENIGN CONGENITAL, WITH CONTRACTURES; Bethlem myopathy 1; Bethlem Muscular Dystrophy. Identifiers: Orphanet 610, MedGen CN029274, MONDO:0024530, OMIM 158810.

Submission:

Labcorp Genetics (formerly Invitae), Labcorp
Classification: Uncertain significance for Bethlem myopathy 1A. Last evaluated: 2022-06-19. Review status: criteria provided, single submitter. Criteria: Invitae Variant Classification Sherloc (09022015). Collection method: clinical testing. Allele origin: germline.
Comment: In summary, the available evidence is currently insufficient to determine the role of this variant in disease. Therefore, it has been classified as a Variant of Uncertain Significance. Variants that disrupt the consensus splice site are a relatively common cause of aberrant splicing (PMID: 17576681, 9536098). Algorithms developed to predict the effect of sequence changes on RNA splicing suggest that this variant may disrupt the consensus splice site. This variant has not been reported in the literature in individuals affected with COL6A1-related conditions. This variant is not present in population databases (gnomAD no frequency). This sequence change falls in intron 25 of the COL6A1 gene. It does not directly change the encoded amino acid sequence of the COL6A1 protein. It affects a nucleotide within the consensus splice site.

Literature cited by the submitters: PubMed 17576681; PubMed 9536098.